The following is an entry in ClinVar:

ClinVar aggregate classification (germline): Uncertain significance. Review status: criteria provided, multiple submitters, no conflicts (2 of 4 stars). 2 submissions from 2 submitters: Uncertain significance (2). Last evaluated 2025-10-15.

Conditions:
Absence seizure. Also called: Absence epilepsy. Identifiers: Orphanet 1941, MedGen C0014553.
Myoclonic epilepsy, juvenile, susceptibility to, 1. Also called: Myoclonic Epilepsy, Juvenile, 1; EJM1. Identifiers: MedGen C1850778, MONDO:0020752, OMIM 254770.

Allele frequency attached by ClinVar (database versions not stated): TOPMed 0.00002.
gnomAD v4.1: 41 of 1,613,818 alleles (0.0025%); highest among the groups gnomAD compares: South Asian, 0.0066%; no homozygotes.

Submissions (2):

Ambry Genetics
Classification: Uncertain significance. Last evaluated: 2025-10-15. Review status: criteria provided, single submitter. Criteria: Ambry Variant Classification Scheme 2023. Collection method: clinical testing. Allele origin: germline.

Labcorp Genetics (formerly Invitae), Labcorp
Classification: Uncertain significance for Myoclonic epilepsy, juvenile, susceptibility to, 1; Absence seizure. Last evaluated: 2020-06-30. Review status: criteria provided, single submitter. Criteria: Invitae Variant Classification Sherloc (09022015). Collection method: clinical testing. Allele origin: germline.
Comment: In summary, the available evidence is currently insufficient to determine the role of this variant in disease. Therefore, it has been classified as a Variant of Uncertain Significance. Algorithms developed to predict the effect of missense changes on protein structure and function output the following: SIFT: "Tolerated"; PolyPhen-2: "Benign"; Align-GVGD: "Class C0". The methionine amino acid residue is found in multiple mammalian species, suggesting that this missense change does not adversely affect protein function. These predictions have not been confirmed by published functional studies and their clinical significance is uncertain. This variant has not been reported in the literature in individuals with EFHC1-related conditions. This variant is present in population databases (rs772265107, ExAC 0.01%). This sequence change replaces valine with methionine at codon 556 of the EFHC1 protein (p.Val556Met). The valine residue is moderately conserved and there is a small physicochemical difference between valine and methionine.

NM_018100.4(EFHC1):c.1666G>A (p.Val556Met)

Gene: EFHC1 (EF-hand domain containing 1; plus strand). Cytogenetic location: 6p12.2.
Variant type: single nucleotide variant.
Coding change: c.1666G>A on transcript NM_018100.4 (MANE Select); coding-DNA position 1666, G replaced by A.
Protein change: p.Val556Met; replaces valine 556 with methionine.
Molecular consequence: missense variant. On other transcripts: non-coding transcript variant (1).
Genome position (GRCh38, 1-based): chr6:52,490,165, G>A. VCF-style: chr6-52490165-G-A. GRCh37 (hg19) VCF-style: chr6-52354963-G-A.
Other names: c.1609G>A, p.Val537Met (NM_001172420.2); c.1666G>A (NM_018100.3); short protein forms V537M, V556M.
Identifiers: ClinVar variation 1046112 (VCV001046112.11), dbSNP rs772265107, ClinGen allele CA3856163.